The following is an entry in ClinVar:

NM_001129.5(AEBP1):c.561dup (p.Ser188fs)

Gene: AEBP1 (AE binding protein 1; plus strand). Cytogenetic location: 7p13.
Variant type: Duplication.
Coding change: c.561dup on transcript NM_001129.5 (MANE Select); coding-DNA position 561, one base duplicated (C; older notation c.561dupC).
Protein change: p.Ser188fs; shifts the reading frame from serine 188.
Molecular consequence: frameshift variant.
Genome position (GRCh38, 1-based): chr7:44,106,853, C duplicated; the last of 6 consecutive C bases (chr7:44,106,848-44,106,853); duplicating any one gives the same sequence. VCF-style (leftmost placement, unchanged base first): chr7-44106847-A-AC. GRCh37 (hg19) VCF-style: chr7-44146446-A-AC.
Other names: short protein forms S188fs.
Identifiers: ClinVar variation 3680182 (VCV003680182.3).
Genomic context (GRCh38, chr7:44,106,847, plus strand): 5'-GTCAGGGAAGAGGCCCCCCATTCTGGCTCCCTCAGAAACCCTGGAGTGGCCACTGCCCCC[A>AC]CCCCCCAGCCCTGGCCCCGAGGAGCTACCCCAGGAGGGAGGTTTGTGCCGGGCTCCTCTG-3'

ClinVar aggregate classification (germline): Pathogenic/Likely pathogenic. Review status: criteria provided, multiple submitters, no conflicts (2 of 4 stars). 2 submissions from 2 submitters: Pathogenic (1); Likely pathogenic (1). Last evaluated 2025-08-23.

Conditions:
AEBP1-related disorder. Also called: AEBP1-related condition.

Submissions (2):

Labcorp Genetics (formerly Invitae), Labcorp
Classification: Pathogenic. Last evaluated: 2025-08-23. Review status: criteria provided, single submitter. Criteria: Invitae Variant Classification Sherloc (09022015). Collection method: clinical testing. Allele origin: germline.
Comment: This sequence change creates a premature translational stop signal (p.Ser188Glnfs*18) in the AEBP1 gene. It is expected to result in an absent or disrupted protein product. Loss-of-function variants in AEBP1 are known to be pathogenic (PMID: 29606302). This variant is present in population databases (no rsID available, gnomAD 0.0009%). This variant has not been reported in the literature in individuals affected with AEBP1-related conditions. ClinVar contains an entry for this variant (Variation ID: 3680182). For these reasons, this variant has been classified as Pathogenic.

Blueprint Genetics
Classification: Likely pathogenic for AEBP1-related disorders. Last evaluated: 2024-10-24. Review status: criteria provided, single submitter. Criteria: ACMG Guidelines, 2015. Collection method: clinical testing. Allele origin: germline. Affected: yes. Observed: 2 variant alleles.

Literature cited by the submitters: PubMed 29606302 (cited by Labcorp Genetics (formerly Invitae), Labcorp).